The following is an entry in ClinVar:

ClinVar aggregate classification (germline): Benign (1 of 4 stars; one submission).

Allele frequency attached by ClinVar (database versions not stated): gnomAD exomes 0.00088; ExAC 0.00266; 1000 Genomes Project 0.00899; gnomAD 0.00930; 1000 Genomes Project 30x 0.00968; TOPMed 0.01022.
gnomAD v4.1: 2,720 of 1,578,488 alleles (0.17%); highest among the groups gnomAD compares: African/African-American, 3.2%; 42 homozygotes.

Submission:

CeGaT Center for Human Genetics Tuebingen
Classification: Benign. Last evaluated: 2026-05-01. Review status: criteria provided, single submitter. Criteria: CeGaT Center For Human Genetics Tuebingen Variant Classification Criteria Version 2. Collection method: clinical testing. Allele origin: germline. Affected: yes. Observed: 6 variant alleles.
Comment: DDX11: BS1, BS2

NM_030653.4(DDX11):c.*137C>A

Gene: DDX11 (DEAD/H-box helicase 11; plus strand). Cytogenetic location: 12p11.21.
Variant type: single nucleotide variant.
Coding change: c.*137C>A on transcript NM_030653.4 (MANE Select); 137 bases downstream of the stop codon, C replaced by A.
Molecular consequence: 3 prime UTR variant. On other transcripts: nonsense (6), non-coding transcript variant (4).
Genome position (GRCh38, 1-based): chr12:31,103,973, C>A. VCF-style: chr12-31103973-C-A. GRCh37 (hg19) VCF-style: chr12-31256907-C-A.
Other names: c.2853C>A, p.Cys951Ter (NM_001257144.2, NM_001413695.1, NM_001413696.1 and 1 more transcripts); c.*137C>A (NM_001257145.2, NM_001413692.1, NM_001413693.1 and 9 more transcripts); c.2775C>A, p.Cys925Ter (NM_001413699.1); c.1992C>A, p.Cys664Ter (NM_001413704.1); short protein forms C664*, C925*, C951*.
Identifiers: ClinVar variation 2642824 (VCV002642824.24), dbSNP rs190343326, ClinGen allele CA6502006.